The following is an entry in ClinVar:

ClinVar aggregate classification (germline): Uncertain significance (1 of 4 stars; one submission).

Allele frequency attached by ClinVar (database versions not stated): ESP Exome Variant Server 0.00008.
gnomAD v4.1: 39 of 1,613,848 alleles (0.0024%); highest among the groups gnomAD compares: African/African-American, 0.0013%; no homozygotes.

Submission:

Labcorp Genetics (formerly Invitae), Labcorp
Classification: Uncertain significance. Last evaluated: 2023-06-23. Review status: criteria provided, single submitter. Criteria: Invitae Variant Classification Sherloc (09022015). Collection method: clinical testing. Allele origin: germline.
Comment: Variants that disrupt the consensus splice site are a relatively common cause of aberrant splicing (PMID: 17576681, 9536098). Algorithms developed to predict the effect of sequence changes on RNA splicing suggest that this variant is not likely to affect RNA splicing. This variant has not been reported in the literature in individuals affected with ARID1B-related conditions. This variant is present in population databases (rs372073557, gnomAD 0.03%). This sequence change falls in intron 7 of the ARID1B gene. It does not directly change the encoded amino acid sequence of the ARID1B protein. It affects a nucleotide within the consensus splice site. In summary, the available evidence is currently insufficient to determine the role of this variant in disease. Therefore, it has been classified as a Variant of Uncertain Significance.

Literature cited by the submitters: PubMed 17576681; PubMed 9536098.

NM_001374828.1(ARID1B):c.2581+4C>T

Gene: ARID1B (AT-rich interaction domain 1B; plus strand). Cytogenetic location: 6q25.3.
Variant type: single nucleotide variant.
Coding change: c.2581+4C>T on transcript NM_001374828.1 (MANE Select); 4 bases into the intron after coding-DNA position 2581, C replaced by T.
Molecular consequence: intron variant.
Genome position (GRCh38, 1-based): chr6:157,110,565, C>T. VCF-style: chr6-157110565-C-T. GRCh37 (hg19) VCF-style: chr6-157431699-C-T.
Other names: c.2620+4C>T (NM_001371656.1, NM_001374820.1); c.2581+4C>T (NM_017519.3); c.82+4C>T (NM_001363725.2).
Identifiers: ClinVar variation 3019547 (VCV003019547.3), dbSNP rs372073557, ClinGen allele CA4067079.